The following is an entry in ClinVar:

NM_144999.4(LRRC45):c.928G>A (p.Ala310Thr)

Gene: LRRC45 (leucine rich repeat containing 45; plus strand). Cytogenetic location: 17q25.3.
Variant type: single nucleotide variant.
Coding change: c.928G>A on transcript NM_144999.4 (MANE Select); coding-DNA position 928, G replaced by A.
Protein change: p.Ala310Thr; replaces alanine 310 with threonine.
Molecular consequence: missense variant.
Genome position (GRCh38, 1-based): chr17:82,028,027, G>A. VCF-style: chr17-82028027-G-A. GRCh37 (hg19) VCF-style: chr17-79985903-G-A.
Other names: short protein forms A310T.
Identifiers: ClinVar variation 4988793 (VCV004988793.1).

ClinVar aggregate classification (germline): Uncertain significance (1 of 4 stars; one submission).

Conditions:
LRRC45-related disorder. Also called: LRRC45-related condition.

Submission:

PreventionGenetics, part of Exact Sciences
Classification: Uncertain significance for LRRC45-related condition. Last evaluated: 2026-03-03. Review status: criteria provided, single submitter. Criteria: ACMG Guidelines, 2015. Collection method: clinical testing. Allele origin: germline.
Comment: The LRRC45 c.928G>A variant is predicted to result in the amino acid substitution p.Ala310Thr. To our knowledge, this variant has not been reported in the literature or in a large population database (gnomAD), indicating this variant is rare. At this time, the clinical significance of this variant is uncertain due to the absence of conclusive functional and genetic evidence.